The following is an entry in ClinVar:

ClinVar aggregate classification (germline): Likely pathogenic (1 of 4 stars; one submission).

Conditions:
Fetal anomalies with a likely genetic cause.

Submission:

Genetics Laboratory, Great Ormond Street Hospital NHS Foundation Trust, North Thames Genomic Laboratory Hub
Classification: Likely pathogenic for Fetal anomalies with a likely genetic cause. Last evaluated: 2026-09-17. Review status: criteria provided, single submitter. Criteria: ACGS Best Practice Guidelines for Variant Classification in Rare Disease 2024 v1.2. Collection method: clinical testing. Allele origin: germline. Affected: yes.
Comment: PM2_moderate, PVS1_strong

NM_001282531.3(ADNP):c.109-67_109-1del

Gene: ADNP (activity dependent neuroprotector homeobox; minus strand). Cytogenetic location: 20q13.13.
Variant type: Deletion.
Coding change: c.109-67_109-1del on transcript NM_001282531.3 (MANE Select); 67 bases into the intron before coding-DNA position 109 through the canonical splice acceptor site of the intron before coding-DNA position 109, 67 bases deleted.
Molecular consequence: splice acceptor variant.
Genome position (GRCh38, 1-based): chr20:50,902,110-50,902,176, 67 bases deleted. GRCh37 (hg19): chr20:49,518,647-49,518,713.
Other names: c.325-67_325-1del (NM_001439000.1); c.109-67_109-1del (NM_001282532.2, NM_181442.4, NM_001347511.2 and 1 more transcripts); c.-576-67_-576-1del (NM_001439001.1).
Identifiers: ClinVar variation 5043310 (VCV005043310.1).